The following is an entry in ClinVar:

NM_001374504.1(TMPRSS6):c.1666C>T (p.His556Tyr)

Gene: TMPRSS6 (transmembrane serine protease 6; minus strand). Cytogenetic location: 22q12.3.
Variant type: single nucleotide variant.
Coding change: c.1666C>T on transcript NM_001374504.1 (MANE Select); coding-DNA position 1666, C replaced by T.
Protein change: p.His556Tyr; replaces histidine 556 with tyrosine.
Molecular consequence: missense variant.
Genome position (GRCh38, 1-based): chr22:37,070,922, G>A on the plus strand (C>T on the coding strand, the complement: TMPRSS6 is on the minus strand). VCF-style: chr22-37070922-G-A. GRCh37 (hg19) VCF-style: chr22-37466962-G-A.
Other names: c.1666C>T, p.His556Tyr (NM_001289000.2, NM_001289001.2, NM_153609.4); c.1693C>T (NM_153609.2); short protein forms H556Y.
Identifiers: ClinVar variation 1309937 (VCV001309937.5), dbSNP rs184024899, ClinGen allele CA10215517.

ClinVar aggregate classification (germline): Uncertain significance. Review status: criteria provided, multiple submitters, no conflicts (2 of 4 stars). 2 submissions from 2 submitters: Uncertain significance (2). Last evaluated 2025-05-25.

Conditions:
Inborn genetic diseases. Identifiers: MedGen C0950123, MeSH D030342.

Allele frequency attached by ClinVar (database versions not stated): ExAC 0.00018; TOPMed 0.00009; gnomAD 0.00011 and 0.00009; 1000 Genomes Project 30x 0.00031; 1000 Genomes Project 0.00040.
gnomAD v4.1: 64 of 1,612,982 alleles (0.004%); highest among the groups gnomAD compares: East Asian, 0.14%; no homozygotes.

Submissions (2):

Ambry Genetics
Classification: Uncertain significance for Inborn genetic diseases. Last evaluated: 2025-05-25. Review status: criteria provided, single submitter. Criteria: Ambry Variant Classification Scheme 2023. Collection method: clinical testing. Allele origin: germline.

GeneDx
Classification: Uncertain significance. Last evaluated: 2019-11-14. Review status: criteria provided, single submitter. Criteria: GeneDx Variant Classification Process June 2021. Collection method: clinical testing. Allele origin: germline. Affected: yes.
Comment: In silico analysis, which includes protein predictors and evolutionary conservation, supports a deleterious effect; Has not been previously published as pathogenic or benign to our knowledge